The following is an entry in ClinVar:

ClinVar aggregate classification (germline): Uncertain significance (1 of 4 stars; one submission).

Conditions:
Renal coloboma syndrome (PAPRS). Also called: OPTIC COLOBOMA, VESICOURETERAL REFLUX, AND RENAL ANOMALIES; OPTIC NERVE COLOBOMA WITH RENAL DISEASE; RENAL-COLOBOMA SYNDROME WITH MACULAR ABNORMALITIES; CONGENITAL ANOMALIES OF THE KIDNEY AND URINARY TRACT WITH OR WITHOUT OCULAR ABNORMALITIES; CAKUT WITH OR WITHOUT OCULAR ABNORMALITIES; PAPILLORENAL SYNDROME. Identifiers: Orphanet 1475, MedGen C1852759, MONDO:0007352, OMIM 120330.
Focal segmental glomerulosclerosis 7 (FSGS7). Identifiers: Orphanet 656, MedGen C4014925, MONDO:0014451, OMIM 616002.

Allele frequency attached by ClinVar (database versions not stated): gnomAD 0.00001; TOPMed below 0.00001; ExAC 0.00001.
gnomAD v4.1: 34 of 1,613,958 alleles (0.0021%); highest among the groups gnomAD compares: Middle Eastern, 0.016%; no homozygotes.

Submission:

Labcorp Genetics (formerly Invitae), Labcorp
Classification: Uncertain significance for Renal coloboma syndrome; Focal segmental glomerulosclerosis 7. Last evaluated: 2026-01-26. Review status: criteria provided, single submitter. Criteria: Invitae Variant Classification Sherloc (09022015). Collection method: clinical testing. Allele origin: germline.
Comment: This sequence change replaces proline, which is neutral and non-polar, with leucine, which is neutral and non-polar, at codon 354 of the PAX2 protein (p.Pro354Leu). This variant is present in population databases (rs770361497, gnomAD 0.005%). This variant has not been reported in the literature in individuals affected with PAX2-related conditions. ClinVar contains an entry for this variant (Variation ID: 2038243). An algorithm developed to predict the effect of missense changes on protein structure and function (PolyPhen-2) suggests that this variant is likely to be disruptive. In summary, the available evidence is currently insufficient to determine the role of this variant in disease. Therefore, it has been classified as a Variant of Uncertain Significance.

NM_000278.5(PAX2):c.1021+192C>T

Gene: PAX2 (paired box 2; plus strand). Cytogenetic location: 10q24.31.
Variant type: single nucleotide variant.
Coding change: c.1021+192C>T on transcript NM_000278.5 (MANE Select); 192 bases into the intron after coding-DNA position 1021, C replaced by T.
Molecular consequence: intron variant. On other transcripts: missense variant (1).
Genome position (GRCh38, 1-based): chr10:100,824,941, C>T. VCF-style: chr10-100824941-C-T. GRCh37 (hg19) VCF-style: chr10-102584698-C-T.
Other names: c.1061C>T, p.Pro354Leu (NM_003988.5); c.1114+192C>T (NM_001304569.2); c.1090+192C>T (NM_003987.5, NM_003990.5); c.1021+192C>T (NM_003989.5); short protein forms P354L.
Identifiers: ClinVar variation 2038243 (VCV002038243.4), dbSNP rs770361497, ClinGen allele CA5650953.